The following is an entry in ClinVar:

ClinVar aggregate classification (germline): Uncertain significance. Review status: criteria provided, multiple submitters, no conflicts (2 of 4 stars). 2 submissions from 2 submitters: Uncertain significance (2). Last evaluated 2026-02-14.

gnomAD v4.1: 30 of 1,614,070 alleles (0.0019%); highest among the groups gnomAD compares: East Asian, 0.033%; no homozygotes.

Submissions (2):

GeneDx
Classification: Uncertain significance. Last evaluated: 2026-02-14. Review status: criteria provided, single submitter. Criteria: GeneDx Variant Classification Process June 2021. Collection method: clinical testing. Allele origin: germline.
Comment: In silico analysis supports that this missense variant has a deleterious effect on protein structure/function; Has not been previously published as pathogenic or benign to our knowledge

Ambry Genetics
Classification: Uncertain significance. Last evaluated: 2024-05-21. Review status: criteria provided, single submitter. Criteria: Ambry Variant Classification Scheme 2023. Collection method: clinical testing. Allele origin: germline.

NM_006885.4(ZFHX3):c.7208C>T (p.Ser2403Phe)

Genes: ZFHX3 (zinc finger homeobox 3; minus strand), ZFHX3-AS1 (ZFHX3 antisense RNA 1; plus strand). Cytogenetic location: 16q22.2.
Variant type: single nucleotide variant.
Coding change: c.7208C>T on transcript NM_006885.4 (MANE Select); coding-DNA position 7208, C replaced by T.
Protein change: p.Ser2403Phe; replaces serine 2403 with phenylalanine.
Molecular consequence: missense variant.
Genome position (GRCh38, 1-based): chr16:72,795,474, G>A on the plus strand (C>T on the coding strand, the complement: ZFHX3 is on the minus strand). VCF-style: chr16-72795474-G-A. GRCh37 (hg19) VCF-style: chr16-72829373-G-A.
Other names: c.4466C>T, p.Ser1489Phe (NM_001164766.2); c.7208C>T, p.Ser2403Phe (NM_001386735.1); short protein forms S1489F, S2403F.
Identifiers: ClinVar variation 3334364 (VCV003334364.2).